The following is an entry in ClinVar:

ClinVar aggregate classification (germline): Conflicting classifications of pathogenicity. Review status: criteria provided, conflicting classifications (1 of 4 stars). 3 submissions from 3 submitters: Likely pathogenic (2); Uncertain significance (1). Last evaluated 2026-04-08.

Conditions:
Alport syndrome. Also called: Hemorrhagic familial nephritis; Hemorrhagic hereditary nephritis; Congenital hereditary hematuria. Identifiers: Orphanet 63, MedGen C1567741, MONDO:0018965.
Hematuria, benign familial, 1 (BFH1). Also called: THIN MEMBRANE NEPHROPATHY. Identifiers: MedGen CN376803, MONDO:0007709, OMIM 141200.
Autosomal recessive Alport syndrome (ATS2). Also called: COL4A4 Alport Syndrome and Thin Basement Membrane Nephropathy; ALPORT SYNDROME 2, AUTOSOMAL RECESSIVE; Alport syndrome type 2; COL4A3-Related Nephropathy. Identifiers: Orphanet 63, Orphanet 88919, MedGen C4746745, MONDO:0008762, OMIM 203780.
Inborn genetic diseases. Identifiers: MedGen C0950123, MeSH D030342.

gnomAD v4.1: 12 of 1,614,130 alleles (0.00074%); highest among the groups gnomAD compares: Middle Eastern, 0.016%; no homozygotes.

Submissions (3):

Ambry Genetics
Classification: Uncertain significance for Inborn genetic diseases. Last evaluated: 2026-04-08. Review status: criteria provided, single submitter. Criteria: Ambry Variant Classification Scheme 2023. Collection method: clinical testing. Allele origin: germline.

Natera, Inc.
Classification: Likely pathogenic for Alport syndrome. Last evaluated: 2025-08-21. Review status: criteria provided, single submitter. Criteria: Natera Variant Classification Schema (03/2026). Collection method: clinical testing. Allele origin: germline.
Comment: The c.1499G>T variant in COL4A4 is a missense variant predicted to cause substitution of glycine to valine at amino acid 500. This variant is rare in the general population with a frequency below the threshold expected for the associated phenotype(s). This variant is located in a functionally critical region of the protein. Computational prediction algorithms indicate this variant is likely to affect gene or protein function. Given the available evidence, this variant is classified as Likely Pathogenic.

Fulgent Genetics
Classification: Likely pathogenic for Hematuria, benign familial, 1; Autosomal recessive Alport syndrome. Last evaluated: 2024-02-22. Review status: criteria provided, single submitter. Criteria: ACMG Guidelines, 2015. Collection method: clinical testing. Allele origin: germline.

NM_000092.5(COL4A4):c.1499G>T (p.Gly500Val)

Gene: COL4A4 (collagen type IV alpha 4 chain; minus strand). Cytogenetic location: 2q36.3.
Variant type: single nucleotide variant.
Coding change: c.1499G>T on transcript NM_000092.5 (MANE Select); coding-DNA position 1499, G replaced by T.
Protein change: p.Gly500Val; replaces glycine 500 with valine.
Molecular consequence: missense variant.
Genome position (GRCh38, 1-based): chr2:227,088,777, C>A on the plus strand (G>T on the coding strand, the complement: COL4A4 is on the minus strand). VCF-style: chr2-227088777-C-A. GRCh37 (hg19) VCF-style: chr2-227953493-C-A.
Other names: short protein forms G500V.
Identifiers: ClinVar variation 3585881 (VCV003585881.3).